The following is an entry in ClinVar:

ClinVar aggregate classification (germline): Uncertain significance. Review status: criteria provided, multiple submitters, no conflicts (2 of 4 stars). 2 submissions from 2 submitters: Uncertain significance (2). Last evaluated 2024-09-01.

Conditions:
Tuberous sclerosis 2 (TSC2). Identifiers: Orphanet 805, MedGen C1860707, MONDO:0013199, OMIM 613254.

Allele frequency attached by ClinVar (database versions not stated): gnomAD exomes below 0.00001.
gnomAD v4.1: 1 of 1,612,970 alleles (0.000062%); highest among the groups gnomAD compares: Non-Finnish European, 0.000085%; no homozygotes.

Submissions (2):

GeneDx
Classification: Uncertain significance. Last evaluated: 2024-09-01. Review status: criteria provided, single submitter. Criteria: GeneDx Variant Classification Process June 2021. Collection method: clinical testing. Allele origin: germline. Affected: yes.
Comment: Not observed at significant frequency in large population cohorts (gnomAD); In silico analysis supports that this missense variant has a deleterious effect on protein structure/function; Has not been previously published as pathogenic or benign to our knowledge; This variant is associated with the following publications: (PMID: 18466115)

Labcorp Genetics (formerly Invitae), Labcorp
Classification: Uncertain significance for Tuberous sclerosis 2. Last evaluated: 2021-09-01. Review status: criteria provided, single submitter. Criteria: Invitae Variant Classification Sherloc (09022015). Collection method: clinical testing. Allele origin: germline.

NM_000548.5(TSC2):c.5147C>T (p.Ala1716Val)

Gene: TSC2 (TSC complex subunit 2; plus strand). Cytogenetic location: 16p13.3.
Variant type: single nucleotide variant.
Coding change: c.5147C>T on transcript NM_000548.5 (MANE Select); coding-DNA position 5147, C replaced by T.
Protein change: p.Ala1716Val; replaces alanine 1716 with valine.
Molecular consequence: missense variant.
Genome position (GRCh38, 1-based): chr16:2,088,126, C>T. VCF-style: chr16-2088126-C-T. GRCh37 (hg19) VCF-style: chr16-2138127-C-T.
Other names: c.4946C>T, p.Ala1649Val (NM_001077183.3); c.5078C>T, p.Ala1693Val (NM_001114382.3); c.4838C>T, p.Ala1613Val (NM_001318827.2); c.4802C>T, p.Ala1601Val (NM_001318829.2); c.4415C>T, p.Ala1472Val (NM_001318831.2); c.4979C>T, p.Ala1660Val (NM_001318832.2); c.4949C>T, p.Ala1650Val (NM_001363528.2); c.5015C>T, p.Ala1672Val (NM_001370404.1); and 2 more; short protein forms A1472V, A1601V, A1673V, A1650V, A1660V, A1716V, A1613V, A1693V.
Identifiers: ClinVar variation 1039113 (VCV001039113.6), dbSNP rs1420725409, ClinGen allele CA394312611.